The following is an entry in ClinVar:

NM_001378452.1(ITPR1):c.7330C>T (p.Arg2444Cys)

Gene: ITPR1 (inositol 1,4,5-trisphosphate receptor type 1; plus strand). Cytogenetic location: 3p26.1.
Variant type: single nucleotide variant.
Coding change: c.7330C>T on transcript NM_001378452.1 (MANE Select); coding-DNA position 7330, C replaced by T.
Protein change: p.Arg2444Cys; replaces arginine 2444 with cysteine.
Molecular consequence: missense variant.
Genome position (GRCh38, 1-based): chr3:4,811,322, C>T. VCF-style: chr3-4811322-C-T. GRCh37 (hg19) VCF-style: chr3-4853006-C-T.
Other names: c.7186C>T, p.Arg2396Cys (NM_001099952.4); c.7285C>T, p.Arg2429Cys (NM_001168272.2); c.7141C>T, p.Arg2381Cys (NM_002222.7); short protein forms R2381C, R2396C, R2429C, R2444C.
Identifiers: ClinVar variation 1686770 (VCV001686770.3), dbSNP rs112560414, ClinGen allele CA68843178.
Genomic context (GRCh38, chr3:4,811,322, plus strand): 5'-AAGCTTTTTGATTTAGTGTACAGAGAAGAGACTTTGCTTAATGTCATTAAAAGTGTCACT[C>T]GCAATGGACGGTCCATCATCCTGACAGCAGTTCTGGCTCTGATCCTCGTTTACCTGTTCT-3'
Protein context (NP_001365381.1, residues 2434-2454): TLLNVIKSVT[Arg2444Cys]NGRSIILTAV

ClinVar aggregate classification (germline): Pathogenic (1 of 4 stars; one submission).

Submission:

GeneDx
Classification: Pathogenic. Last evaluated: 2026-04-30. Review status: criteria provided, single submitter. Criteria: GeneDx Variant Classification Process June 2021. Collection method: clinical testing. Allele origin: germline.
Comment: Not observed at significant frequency in large population cohorts (gnomAD); In silico analysis supports that this missense variant has a deleterious effect on protein structure/function; Has not been previously published as pathogenic or benign to our knowledge